The following is an entry in ClinVar:

NM_001278716.2(FBXL4):c.353C>T (p.Pro118Leu)

Gene: FBXL4 (F-box and leucine rich repeat protein 4; minus strand). Cytogenetic location: 6q16.2.
Variant type: single nucleotide variant.
Coding change: c.353C>T on transcript NM_001278716.2 (MANE Select); coding-DNA position 353, C replaced by T.
Protein change: p.Pro118Leu; replaces proline 118 with leucine.
Molecular consequence: missense variant. On other transcripts: non-coding transcript variant (2).
Genome position (GRCh38, 1-based): chr6:98,926,636, G>A on the plus strand (C>T on the coding strand, the complement: FBXL4 is on the minus strand). VCF-style: chr6-98926636-G-A. GRCh37 (hg19) VCF-style: chr6-99374512-G-A.
Other names: c.353C>T, p.Pro118Leu (NM_012160.5); short protein forms P118L.
Identifiers: ClinVar variation 437564 (VCV000437564.1), dbSNP rs765468582, ClinGen allele CA3933703.

ClinVar aggregate classification (germline): Uncertain significance (1 of 4 stars; one submission).

Conditions:
Mitochondrial DNA depletion syndrome 13. Also called: FBXL4-Related Encephalomyopathic Mitochondrial DNA Depletion Syndrome; Mitochondrial DNA depletion syndrome 13 (encephalomyopathic type). Identifiers: Orphanet 369897, MedGen C3809592, MONDO:0014198, OMIM 615471.

Allele frequency attached by ClinVar (database versions not stated): TOPMed below 0.00001; ExAC 0.00002; gnomAD exomes 0.00003.
gnomAD v4.1: 4 of 1,614,102 alleles (0.00025%); highest among the groups gnomAD compares: East Asian, 0.0089%; no homozygotes.

Submission:

Wong Mito Lab, Molecular and Human Genetics, Baylor College of Medicine
Classification: Uncertain significance for Mitochondrial DNA depletion syndrome 13. Last evaluated: 2017-08-10. Review status: criteria provided, single submitter. Criteria: ACMG Guidelines, 2015. Collection method: reference population. Allele origin: germline.
Comment: The NM_012160.4:c.353C>T (NP_036292.2:p.Pro118Leu) [GRCH38: NC_000006.12:g.98926636G>A] variant in FBXL4 gene is interpretated to be a Uncertain Significance - Insufficient Evidence based on ACMG guidelines (PMID: 25741868). This variant meets one or more of the following evidence codes reported in the ACMG-guideline. PM2:This variant is absent in key population databases. Based on this evidence code ClinGen Pathogenicity Calculator (PMID:28081714) suggested that the variant is Uncertain Significance - Insufficient Evidence.